The following is an entry in ClinVar:

ClinVar aggregate classification (germline): Uncertain significance (1 of 4 stars; one submission).

Submission:

Labcorp Genetics (formerly Invitae), Labcorp
Classification: Uncertain significance. Last evaluated: 2022-11-22. Review status: criteria provided, single submitter. Criteria: Invitae Variant Classification Sherloc (09022015). Collection method: clinical testing. Allele origin: germline.
Comment: This variant has not been reported in the literature in individuals affected with CLUAP1-related conditions. Advanced modeling of protein sequence and biophysical properties (such as structural, functional, and spatial information, amino acid conservation, physicochemical variation, residue mobility, and thermodynamic stability) performed at Invitae indicates that this missense variant is expected to disrupt CLUAP1 protein function. In summary, the available evidence is currently insufficient to determine the role of this variant in disease. Therefore, it has been classified as a Variant of Uncertain Significance. This variant is not present in population databases (gnomAD no frequency). This sequence change replaces asparagine, which is neutral and polar, with lysine, which is basic and polar, at codon 227 of the CLUAP1 protein (p.Asn227Lys).

NM_015041.3(CLUAP1):c.681T>G (p.Asn227Lys)

Gene: CLUAP1 (clusterin associated protein 1; plus strand). Cytogenetic location: 16p13.3.
Variant type: single nucleotide variant.
Coding change: c.681T>G on transcript NM_015041.3 (MANE Select); coding-DNA position 681, T replaced by G.
Protein change: p.Asn227Lys; replaces asparagine 227 with lysine.
Molecular consequence: missense variant.
Genome position (GRCh38, 1-based): chr16:3,520,004, T>G. VCF-style: chr16-3520004-T-G. GRCh37 (hg19) VCF-style: chr16-3570004-T-G.
Other names: c.681T>G, p.Asn227Lys (NM_001330454.2); c.183T>G, p.Asn61Lys (NM_024793.3); short protein forms N227K, N61K.
Identifiers: ClinVar variation 2053823 (VCV002053823.4), dbSNP rs2543969345, ClinGen allele CA394513338.